The following is an entry in ClinVar:

ClinVar aggregate classification (germline): Uncertain significance (1 of 4 stars; one submission).

Submission:

Labcorp Genetics (formerly Invitae), Labcorp
Classification: Uncertain significance. Last evaluated: 2025-11-05. Review status: criteria provided, single submitter. Criteria: Invitae Variant Classification Sherloc (09022015). Collection method: clinical testing. Allele origin: germline.
Comment: This sequence change replaces arginine, which is basic and polar, with tryptophan, which is neutral and slightly polar, at codon 2056 of the COL7A1 protein (p.Arg2056Trp). This variant is not present in population databases (gnomAD no frequency). This variant has not been reported in the literature in individuals affected with COL7A1-related conditions. Invitae Evidence Modeling of protein sequence and biophysical properties (such as structural, functional, and spatial information, amino acid conservation, physicochemical variation, residue mobility, and thermodynamic stability) has been performed for this missense variant. However, the output from this modeling did not meet the statistical confidence thresholds required to predict the impact of this variant on COL7A1 protein function. In summary, the available evidence is currently insufficient to determine the role of this variant in disease. Therefore, it has been classified as a Variant of Uncertain Significance.

NM_000094.4(COL7A1):c.6166A>T (p.Arg2056Trp)

Gene: COL7A1 (collagen type VII alpha 1 chain; minus strand). Cytogenetic location: 3p21.31.
Variant type: single nucleotide variant.
Coding change: c.6166A>T on transcript NM_000094.4 (MANE Select); coding-DNA position 6166, A replaced by T.
Protein change: p.Arg2056Trp; replaces arginine 2056 with tryptophan.
Molecular consequence: missense variant.
Genome position (GRCh38, 1-based): chr3:48,575,353, T>A on the plus strand (A>T on the coding strand, the complement: COL7A1 is on the minus strand). VCF-style: chr3-48575353-T-A. GRCh37 (hg19) VCF-style: chr3-48612786-T-A.
Other names: short protein forms R2056W.
Identifiers: ClinVar variation 4801660 (VCV004801660.1).